The following is an entry in ClinVar:

NR_023317.1(RNU7-1):n.48T>C

Genes: C12orf57 (chromosome 12 open reading frame 57; plus strand), RNU7-1 (RNA, U7 small nuclear 1; plus strand). Cytogenetic location: 12p13.31.
Variant type: single nucleotide variant.
Molecular consequence: non-coding transcript variant (on NR_023317.1). On other transcripts: intron variant (2).
Genome position: GRCh38 VCF-style: chr12-6943863-T-C. GRCh37 (hg19) VCF-style: chr12-7053026-T-C.
Other names: c.13+201T>C (NM_001301836.2); c.-16+201T>C (NM_001301834.1).
Identifiers: ClinVar variation 1234510 (VCV001234510.7), dbSNP rs74057226, ClinGen allele CA232435356.

ClinVar aggregate classification (germline): Benign. Review status: criteria provided, multiple submitters, no conflicts (2 of 4 stars). 3 submissions from 3 submitters: Benign (3). Last evaluated 2026-01-28.

Allele frequency attached by ClinVar (database versions not stated): TOPMed 0.01954; 1000 Genomes Project 0.02037; 1000 Genomes Project 30x 0.02155.
gnomAD v4.1: 5,645 of 938,932 alleles (0.6%); highest among the groups gnomAD compares: African/African-American, 5.6%; 145 homozygotes.

Submissions (3):

Women's Health and Genetics/Laboratory Corporation of America, LabCorp
Classification: Benign. Last evaluated: 2026-01-28. Review status: criteria provided, single submitter. Criteria: LabCorp Variant Classification Summary - May 2015. Collection method: clinical testing. Allele origin: germline.
Comment: Variant summary: RNU7-1 n.48T>C alters a nucleotide in the non-coding RNA. The variant allele was found at a frequency of 0.016 in 31396 control chromosomes in the gnomAD database, including 14 homozygotes. The observed variant frequency exceeds the estimated maximal expected allele frequency for disease-causing variants in RNU7-1. To our knowledge, no occurrence of n.48T>C in individuals affected with RNU7-1-related conditions and no experimental evidence demonstrating its impact on protein function have been reported. ClinVar contains an entry for this variant (Variation ID: 1234510). Based on the evidence outlined above, the variant was classified as benign.

GeneDx
Classification: Benign. Last evaluated: 2021-03-28. Review status: criteria provided, single submitter. Criteria: GeneDx Variant Classification Process June 2021. Collection method: clinical testing. Allele origin: germline. Affected: yes.

Breakthrough Genomics
Classification: Benign. Review status: criteria provided, single submitter. Criteria: ACMG Guidelines, 2015. Collection method: not provided. Allele origin: germline. Inheritance: Autosomal recessive inheritance. Affected: yes.